The following is an entry in ClinVar:

ClinVar aggregate classification (germline): Uncertain significance (1 of 4 stars; one submission).

Conditions:
Combined immunodeficiency due to LRBA deficiency. Also called: Common variable immunodeficiency 8, with autoimmunity. Identifiers: Orphanet 445018, MedGen C3553512, MONDO:0013863, OMIM 614700.

Submission:

Labcorp Genetics (formerly Invitae), Labcorp
Classification: Uncertain significance for Combined immunodeficiency due to LRBA deficiency. Last evaluated: 2024-02-17. Review status: criteria provided, single submitter. Criteria: Invitae Variant Classification Sherloc (09022015). Collection method: clinical testing. Allele origin: germline.
Comment: This sequence change replaces valine, which is neutral and non-polar, with alanine, which is neutral and non-polar, at codon 193 of the LRBA protein (p.Val193Ala). This variant is not present in population databases (gnomAD no frequency). This variant has not been reported in the literature in individuals affected with LRBA-related conditions. ClinVar contains an entry for this variant (Variation ID: 1381007). Advanced modeling of protein sequence and biophysical properties (such as structural, functional, and spatial information, amino acid conservation, physicochemical variation, residue mobility, and thermodynamic stability) performed at Invitae indicates that this missense variant is expected to disrupt LRBA protein function with a positive predictive value of 80%. In summary, the available evidence is currently insufficient to determine the role of this variant in disease. Therefore, it has been classified as a Variant of Uncertain Significance.

NM_001364905.1(LRBA):c.578T>C (p.Val193Ala)

Gene: LRBA (LPS responsive beige-like anchor protein; minus strand). Cytogenetic location: 4q31.3.
Variant type: single nucleotide variant.
Coding change: c.578T>C on transcript NM_001364905.1 (MANE Select); coding-DNA position 578, T replaced by C.
Protein change: p.Val193Ala; replaces valine 193 with alanine.
Molecular consequence: missense variant.
Genome position (GRCh38, 1-based): chr4:150,921,265, A>G on the plus strand (T>C on the coding strand, the complement: LRBA is on the minus strand). VCF-style: chr4-150921265-A-G. GRCh37 (hg19) VCF-style: chr4-151842417-A-G.
Other names: c.578T>C, p.Val193Ala (NM_001199282.3, NM_001367550.1, NM_006726.5); short protein forms V193A.
Identifiers: ClinVar variation 1381007 (VCV001381007.8), dbSNP rs2149495429, ClinGen allele CA358437329.